The following is an entry in ClinVar:

ClinVar aggregate classification (germline): Benign (1 of 4 stars; one submission).

Allele frequency attached by ClinVar (database versions not stated): gnomAD 0.16844 and 0.17199; TOPMed 0.16994; 1000 Genomes Project 30x 0.17349; 1000 Genomes Project 0.17632.
gnomAD v4.1: 26,239 of 152,102 alleles (17%); highest among the groups gnomAD compares: East Asian, 32%; 2,738 homozygotes.

Submission:

GeneDx
Classification: Benign. Last evaluated: 2018-06-19. Review status: criteria provided, single submitter. Criteria: GeneDx Variant Classification (06012015). Collection method: clinical testing. Allele origin: germline. Affected: yes.
Comment: This variant is considered likely benign or benign based on one or more of the following criteria: it is a conservative change, it occurs at a poorly conserved position in the protein, it is predicted to be benign by multiple in silico algorithms, and/or has population frequency not consistent with disease.

NM_201596.3(CACNB2):c.1206+264G>C

Gene: CACNB2 (calcium voltage-gated channel auxiliary subunit beta 2; plus strand). Cytogenetic location: 10p12.31.
Variant type: single nucleotide variant.
Coding change: c.1206+264G>C on transcript NM_201596.3 (MANE Select); 264 bases into the intron after coding-DNA position 1206, G replaced by C.
Molecular consequence: intron variant.
Genome position (GRCh38, 1-based): chr10:18,534,491, G>C. VCF-style: chr10-18534491-G-C. GRCh37 (hg19) VCF-style: chr10-18823420-G-C.
Other names: c.1122+264G>C (NM_201571.4); c.1008+264G>C (NM_001167945.2); c.1050+264G>C (NM_201572.4); c.1092+264G>C (NM_201593.3); c.1134+264G>C (NM_201597.3); c.1041+264G>C (NM_000724.4); c.927+264G>C (NM_001330060.2); c.1044+264G>C (NM_201590.3); and 1 more.
Identifiers: ClinVar variation 668822 (VCV000668822.1), dbSNP rs10828866, ClinGen allele CA13216323.